The following is an entry in ClinVar:

NM_000073.3(CD3G):c.158T>C (p.Ile53Thr)

Genes: CD3G (CD3 gamma subunit of T-cell receptor complex; plus strand), LOC126861358 (BRD4-independent group 4 enhancer GRCh37_chr11:118220212-118221411; plus strand). Cytogenetic location: 11q23.3.
Variant type: single nucleotide variant.
Coding change: c.158T>C on transcript NM_000073.3 (MANE Select); coding-DNA position 158, T replaced by C.
Protein change: p.Ile53Thr; replaces isoleucine 53 with threonine.
Molecular consequence: missense variant.
Genome position (GRCh38, 1-based): chr11:118,349,821, T>C. VCF-style: chr11-118349821-T-C. GRCh37 (hg19) VCF-style: chr11-118220536-T-C.
Other names: p.Ile53Thr; short protein forms I53T.
Identifiers: ClinVar variation 302681 (VCV000302681.59), dbSNP rs142915569, ClinGen allele CA6302118.

ClinVar aggregate classification (germline): Conflicting classifications of pathogenicity. Review status: criteria provided, conflicting classifications (1 of 4 stars). 6 submissions from 6 submitters: Uncertain significance (2); Benign (1); Likely benign (2). 1 of the submissions does not count toward it. Last evaluated 2026-02-03.

Conditions:
Combined immunodeficiency due to CD3gamma deficiency. Also called: CD3-GAMMA DEFICIENCY; SCID-LIKE IMMUNODEFICIENCY, T CELL-PARTIAL, B CELL-POSITIVE, NK CELL-POSITIVE; Immunodeficiency 17; Immunodeficiency 17, CD3 gamma deficient. Identifiers: Orphanet 169082, MedGen C3810107, MONDO:0014276, OMIM 615607.
CD3G-related disorder. Also called: CD3G-related condition.

Allele frequency attached by ClinVar (database versions not stated): 1000 Genomes Project 30x 0.00047; 1000 Genomes Project 0.00060; ExAC 0.00110; gnomAD 0.00142 and 0.00148; ESP Exome Variant Server 0.00146; TOPMed 0.00158.
gnomAD v4.1: 3,090 of 1,613,980 alleles (0.19%); highest among the groups gnomAD compares: Non-Finnish European, 0.22%; 3 homozygotes.

Submissions (6):

Labcorp Genetics (formerly Invitae), Labcorp
Classification: Likely benign for Combined immunodeficiency due to CD3gamma deficiency. Last evaluated: 2026-02-03. Review status: criteria provided, single submitter. Criteria: Invitae Variant Classification Sherloc (09022015). Collection method: clinical testing. Allele origin: germline.

Blueprint Genetics
Classification: Likely benign. Last evaluated: 2024-11-25. Review status: criteria provided, single submitter. Criteria: ACMG Guidelines, 2015. Collection method: clinical testing. Allele origin: germline.

Mayo Clinic Laboratories, Mayo Clinic
Classification: Benign. Last evaluated: 2021-08-10. Review status: criteria provided, single submitter. Criteria: ACMG Guidelines, 2015. Collection method: clinical testing. Allele origin: germline. Observed: 1 variant allele.
Comment: BS1, BS2, BP4

CeGaT Center for Human Genetics Tuebingen
Classification: Uncertain significance. Last evaluated: 2019-11-01. Review status: criteria provided, single submitter. Criteria: CeGaT Center For Human Genetics Tuebingen Variant Classification Criteria Version 2. Collection method: clinical testing. Allele origin: germline. Affected: yes. Observed: 1 variant allele.

Illumina Laboratory Services, Illumina
Classification: Uncertain significance for Combined immunodeficiency due to CD3gamma deficiency. Last evaluated: 2018-01-13. Review status: criteria provided, single submitter. Criteria: ICSL Variant Classification Criteria 13 December 2019. Collection method: clinical testing. Allele origin: germline.

PreventionGenetics, part of Exact Sciences
Classification: Likely benign for CD3G-related condition. Last evaluated: 2019-09-23. Review status: no assertion criteria provided. Collection method: clinical testing. Allele origin: germline. Not counted in ClinVar's aggregate classification.
Comment: This variant is classified as likely benign based on ACMG/AMP sequence variant interpretation guidelines (Richards et al. 2015 PMID: 25741868, with internal and published modifications).